The following is an entry in ClinVar:

NM_000918.4(P4HB):c.353-3T>C

Gene: P4HB (prolyl 4-hydroxylase subunit beta; minus strand). Cytogenetic location: 17q25.3.
Variant type: single nucleotide variant.
Coding change: c.353-3T>C on transcript NM_000918.4 (MANE Select); 3 bases into the intron before coding-DNA position 353, T replaced by C.
Molecular consequence: intron variant.
Genome position (GRCh38, 1-based): chr17:81,855,589, A>G on the plus strand (T>C on the coding strand, the complement: P4HB is on the minus strand). VCF-style: chr17-81855589-A-G. GRCh37 (hg19) VCF-style: chr17-79813465-A-G.
Identifiers: ClinVar variation 1400460 (VCV001400460.6), dbSNP rs2143354751, ClinGen allele CA2573155057.

ClinVar aggregate classification (germline): Uncertain significance (1 of 4 stars; one submission).

Submission:

Labcorp Genetics (formerly Invitae), Labcorp
Classification: Uncertain significance. Last evaluated: 2021-08-13. Review status: criteria provided, single submitter. Criteria: Invitae Variant Classification Sherloc (09022015). Collection method: clinical testing. Allele origin: germline.
Comment: In summary, the available evidence is currently insufficient to determine the role of this variant in disease. Therefore, it has been classified as a Variant of Uncertain Significance. Nucleotide substitutions within the consensus splice site are a relatively common cause of aberrant splicing (PMID: 17576681, 9536098). Algorithms developed to predict the effect of sequence changes on RNA splicing suggest that this variant is not likely to affect RNA splicing, but this prediction has not been confirmed by published transcriptional studies. This variant has not been reported in the literature in individuals with P4HB-related conditions. This variant is not present in population databases (ExAC no frequency). This sequence change falls in intron 2 of the P4HB gene. It does not directly change the encoded amino acid sequence of the P4HB protein. It affects a nucleotide within the consensus splice site of the intron.

Literature cited by the submitters: PubMed 17576681; PubMed 9536098.